The following is an entry in ClinVar:

ClinVar aggregate classification (germline): Uncertain significance. Review status: criteria provided, multiple submitters, no conflicts (2 of 4 stars). 4 submissions from 4 submitters: Uncertain significance (3). 1 of the submissions does not count toward it. Last evaluated 2026-08-04.

Conditions:
Bardet-Biedl syndrome 2 (BBS2). Identifiers: Orphanet 110, MedGen C2936863, MONDO:0014432, OMIM 615981.
Retinitis pigmentosa 74 (RP74). Identifiers: Orphanet 791, MedGen C4225281, MONDO:0014692, OMIM 616562.
Bardet-Biedl syndrome (BBS). Identifiers: Orphanet 110, MedGen C0752166, MONDO:0015229.
BBS2-related disorder. Also called: BBS2-related condition; BBS2-related disorders. Identifiers: MedGen CN239228.

Allele frequency attached by ClinVar (database versions not stated): ExAC 0.00001; gnomAD 0.00001; gnomAD exomes 0.00002; TOPMed 0.00002; ESP Exome Variant Server 0.00008.
gnomAD v4.1: 32 of 1,614,008 alleles (0.002%); highest among the groups gnomAD compares: Non-Finnish European, 0.0027%; no homozygotes.

Submissions (4):

PreventionGenetics, part of Exact Sciences
Classification: Uncertain significance for BBS2-related condition. Last evaluated: 2026-08-04. Review status: criteria provided, single submitter. Criteria: ACMG Guidelines, 2015. Collection method: clinical testing. Allele origin: germline.
Comment: The BBS2 c.1240G>A variant is predicted to result in the amino acid substitution p.Ala414Thr. To our knowledge, this variant has not been reported in the literature. This variant is reported in 0.0035% of alleles in individuals of European (Non-Finnish) descent in gnomAD. At this time, the clinical significance of this variant is uncertain due to the absence of conclusive functional and genetic evidence.

Fulgent Genetics
Classification: Uncertain significance for Bardet-Biedl syndrome 2; Retinitis pigmentosa 74. Last evaluated: 2024-05-29. Review status: criteria provided, single submitter. Criteria: ACMG Guidelines, 2015. Collection method: clinical testing. Allele origin: germline.

Labcorp Genetics (formerly Invitae), Labcorp
Classification: Uncertain significance for Bardet-Biedl syndrome. Last evaluated: 2022-01-06. Review status: criteria provided, single submitter. Criteria: Invitae Variant Classification Sherloc (09022015). Collection method: clinical testing. Allele origin: germline.
Comment: This sequence change replaces alanine, which is neutral and non-polar, with threonine, which is neutral and polar, at codon 414 of the BBS2 protein (p.Ala414Thr). This variant is present in population databases (rs375585469, gnomAD 0.003%). This variant has not been reported in the literature in individuals affected with BBS2-related conditions. ClinVar contains an entry for this variant (Variation ID: 1002524). Algorithms developed to predict the effect of missense changes on protein structure and function are either unavailable or do not agree on the potential impact of this missense change (SIFT: "Deleterious"; PolyPhen-2: "Benign"; Align-GVGD: "Class C0"). In summary, the available evidence is currently insufficient to determine the role of this variant in disease. Therefore, it has been classified as a Variant of Uncertain Significance.

Natera, Inc.
Classification: Uncertain significance for Bardet-Biedl syndrome type 2. Last evaluated: 2020-06-17. Review status: no assertion criteria provided. Collection method: clinical testing. Allele origin: germline. Not counted in ClinVar's aggregate classification.

NM_031885.5(BBS2):c.1240G>A (p.Ala414Thr)

Gene: BBS2 (Bardet-Biedl syndrome 2; minus strand). Cytogenetic location: 16q13.
Variant type: single nucleotide variant.
Coding change: c.1240G>A on transcript NM_031885.5 (MANE Select); coding-DNA position 1240, G replaced by A.
Protein change: p.Ala414Thr; replaces alanine 414 with threonine.
Molecular consequence: missense variant. On other transcripts: non-coding transcript variant (2).
Genome position (GRCh38, 1-based): chr16:56,501,011, C>T on the plus strand (G>A on the coding strand, the complement: BBS2 is on the minus strand). VCF-style: chr16-56501011-C-T. GRCh37 (hg19) VCF-style: chr16-56534923-C-T.
Other names: c.1240G>A, p.Ala414Thr (NM_001377456.1); c.1240G>A (NM_031885.3); short protein forms A414T.
Identifiers: ClinVar variation 1002524 (VCV001002524.6), dbSNP rs375585469, ClinGen allele CA8065778.
Genomic context (GRCh38, chr16:56,501,011, plus strand): 5'-TGCTGGGATGTACCACGTGGCTTTCACCTGTAAAAATTCCTTCTGCAAAAATCAATACTG[C>T]TCGGATGATGGTGTCTGCAGGGAAGAGTAAAAACAGTTTAAGAACAACTCCAACTTTGGG-3'
Protein context (NP_114091.4, residues 404-424): ISTSNDTIIR[Ala414Thr]VLIFAEGIFT